The following is an entry in ClinVar:

NM_020937.4(FANCM):c.1742G>A (p.Arg581His)

Gene: FANCM (FA complementation group M; plus strand). Cytogenetic location: 14q21.2.
Variant type: single nucleotide variant.
Coding change: c.1742G>A on transcript NM_020937.4 (MANE Select); coding-DNA position 1742, G replaced by A.
Protein change: p.Arg581His; replaces arginine 581 with histidine.
Molecular consequence: missense variant.
Genome position (GRCh38, 1-based): chr14:45,164,519, G>A. VCF-style: chr14-45164519-G-A. GRCh37 (hg19) VCF-style: chr14-45633722-G-A.
Other names: c.1742G>A (NM_020937.3); c.1664G>A, p.Arg555His (NM_001308133.2); c.1742G>A, p.Arg581His (NM_001308134.2); short protein forms R555H, R581H.
Identifiers: ClinVar variation 835770 (VCV000835770.16), dbSNP rs748083548, ClinGen allele CA7169138.
Genomic context (GRCh38, chr14:45,164,519, plus strand): 5'-TTGATTCCCAGAAGAGCCCAATTCGTCTTGTACAACGAATGGGTAGAACTGGCCGTAAAC[G>A]TCAAGGCAGGATAGTTATTATCCTTTCTGAAGGACGAGAGGAACGTGTAAGTAGAGCTGC-3'
Protein context (NP_065988.1, residues 571-591): VQRMGRTGRK[Arg581His]QGRIVIILSE

ClinVar aggregate classification (germline): Uncertain significance. Review status: criteria provided, multiple submitters, no conflicts (2 of 4 stars). 4 submissions from 4 submitters: Uncertain significance (4). Last evaluated 2025-10-24.

Conditions:
Spermatogenic failure 28. Identifiers: MedGen C4748117, MONDO:0054732, OMIM 618086.
Premature ovarian failure 15. Identifiers: MedGen C4748170, MONDO:0054862, OMIM 618096.
Fanconi anemia (FA). Also called: Fanconi's anemia. Identifiers: Orphanet 84, MedGen C0015625, MeSH D005199, MONDO:0019391.

Allele frequency attached by ClinVar (database versions not stated): gnomAD exomes 0.00002; ExAC 0.00004; gnomAD 0.00007; TOPMed 0.00016.
gnomAD v4.1: 35 of 1,613,494 alleles (0.0022%); highest among the groups gnomAD compares: Admixed American, 0.022%; no homozygotes.

Submissions (4):

Quest Diagnostics Nichols Institute San Juan Capistrano
Classification: Uncertain significance. Last evaluated: 2025-10-24. Review status: criteria provided, single submitter. Criteria: Quest Diagnostics criteria. Collection method: clinical testing. Allele origin: unknown.
Comment: The FANCM c.1742G>A (p.Arg581His) variant has been reported in the published literature in an individual with ovarian cancer (PMID: 28881617 (2017)). In a large-scale breast cancer association study, the variant was observed in a reportedly unaffected individual (PMID: 33471991 (2021), see also LOVD). The frequency of this variant in the general population (Genome Aggregation Database) is uninformative in the assessment of its pathogenicity. Analysis of this variant using bioinformatics tools for the prediction of the effect of amino acid changes on protein structure and function yielded predictions that this variant is damaging. Based on the available information, we are unable to determine the clinical significance of this variant.

Labcorp Genetics (formerly Invitae), Labcorp
Classification: Uncertain significance for Fanconi anemia. Last evaluated: 2025-10-09. Review status: criteria provided, single submitter. Criteria: Invitae Variant Classification Sherloc (09022015). Collection method: clinical testing. Allele origin: germline.
Comment: This sequence change replaces arginine, which is basic and polar, with histidine, which is basic and polar, at codon 581 of the FANCM protein (p.Arg581His). This variant is present in population databases (rs748083548, gnomAD 0.007%). This variant has not been reported in the literature in individuals affected with FANCM-related conditions. ClinVar contains an entry for this variant (Variation ID: 835770). An algorithm developed to predict the effect of missense changes on protein structure and function (PolyPhen-2) suggests that this variant is likely to be disruptive. In summary, the available evidence is currently insufficient to determine the role of this variant in disease. Therefore, it has been classified as a Variant of Uncertain Significance.

GeneDx
Classification: Uncertain significance. Last evaluated: 2024-08-29. Review status: criteria provided, single submitter. Criteria: GeneDx Variant Classification Process June 2021. Collection method: clinical testing. Allele origin: germline. Affected: yes.
Comment: Not observed at significant frequency in large population cohorts (gnomAD); In silico analysis supports that this missense variant has a deleterious effect on protein structure/function; Observed in an individual with ovarian cancer (PMID: 28881617); This variant is associated with the following publications: (PMID: 28881617)

Fulgent Genetics
Classification: Uncertain significance for Spermatogenic failure 28; Premature ovarian failure 15. Last evaluated: 2021-09-20. Review status: criteria provided, single submitter. Criteria: ACMG Guidelines, 2015. Collection method: clinical testing. Allele origin: unknown.

Literature cited by the submitters: PubMed 28881617 (cited by Quest Diagnostics Nichols Institute San Juan Capistrano); PubMed 33471991 (cited by Quest Diagnostics Nichols Institute San Juan Capistrano).